The following is an entry in ClinVar:

NM_182914.3(SYNE2):c.13742C>T (p.Ala4581Val)

Gene: SYNE2 (spectrin repeat containing nuclear envelope protein 2; plus strand). Cytogenetic location: 14q23.2.
Variant type: single nucleotide variant.
Coding change: c.13742C>T on transcript NM_182914.3 (MANE Select); coding-DNA position 13742, C replaced by T.
Protein change: p.Ala4581Val; replaces alanine 4581 with valine.
Molecular consequence: missense variant.
Genome position (GRCh38, 1-based): chr14:64,126,632, C>T. VCF-style: chr14-64126632-C-T. GRCh37 (hg19) VCF-style: chr14-64593350-C-T.
Other names: c.13742C>T, p.Ala4581Val (NM_015180.6); short protein forms A4581V.
Identifiers: ClinVar variation 3606736 (VCV003606736.2).

ClinVar aggregate classification (germline): Uncertain significance (1 of 4 stars; one submission).

Conditions:
Emery-Dreifuss muscular dystrophy 5, autosomal dominant (EDMD5). Also called: EMERY-DREIFUSS MUSCULAR DYSTROPHY 5. Identifiers: Orphanet 261, MedGen C2751805, MONDO:0013072, OMIM 612999.

gnomAD v4.1: 9 of 1,614,162 alleles (0.00056%); highest among the groups gnomAD compares: South Asian, 0.0033%; no homozygotes.

Submission:

Labcorp Genetics (formerly Invitae), Labcorp
Classification: Uncertain significance for Emery-Dreifuss muscular dystrophy 5, autosomal dominant. Last evaluated: 2024-07-30. Review status: criteria provided, single submitter. Criteria: Invitae Variant Classification Sherloc (09022015). Collection method: clinical testing. Allele origin: germline.
Comment: This sequence change replaces alanine, which is neutral and non-polar, with valine, which is neutral and non-polar, at codon 4581 of the SYNE2 protein (p.Ala4581Val). This variant is present in population databases (rs769686910, gnomAD 0.003%). This variant has not been reported in the literature in individuals affected with SYNE2-related conditions. An algorithm developed to predict the effect of missense changes on protein structure and function (PolyPhen-2) suggests that this variant is likely to be disruptive. In summary, the available evidence is currently insufficient to determine the role of this variant in disease. Therefore, it has been classified as a Variant of Uncertain Significance.